The following is an entry in ClinVar:

ClinVar aggregate classification (germline): Conflicting classifications of pathogenicity. Review status: criteria provided, conflicting classifications (1 of 4 stars). 3 submissions from 3 submitters: Uncertain significance (1); Likely benign (2). Last evaluated 2024-10-16.

Conditions:
Pierpont syndrome (PRPTS). Identifiers: Orphanet 487825, MedGen C1865644, MONDO:0011213, OMIM 602342.

Allele frequency attached by ClinVar (database versions not stated): TOPMed 0.00002.
gnomAD v4.1: 8 of 1,567,096 alleles (0.00051%); highest among the groups gnomAD compares: African/African-American, 0.0069%; no homozygotes.

Submissions (3):

Labcorp Genetics (formerly Invitae), Labcorp
Classification: Likely benign for Pierpont syndrome. Last evaluated: 2024-10-16. Review status: criteria provided, single submitter. Criteria: Invitae Variant Classification Sherloc (09022015). Collection method: clinical testing. Allele origin: germline.

CeGaT Center for Human Genetics Tuebingen
Classification: Uncertain significance. Last evaluated: 2023-09-01. Review status: criteria provided, single submitter. Criteria: CeGaT Center For Human Genetics Tuebingen Variant Classification Criteria Version 2. Collection method: clinical testing. Allele origin: germline. Affected: yes. Observed: 1 variant allele.
Comment: TBL1XR1: PM2, BP4, BP5

Blueprint Genetics
Classification: Likely benign. Last evaluated: 2023-03-15. Review status: criteria provided, single submitter. Criteria: ACMG Guidelines, 2015. Collection method: clinical testing. Allele origin: germline.

NM_024665.7(TBL1XR1):c.1417-7C>G

Gene: TBL1XR1 (TBL1X/Y related 1; minus strand). Cytogenetic location: 3q26.32.
Variant type: single nucleotide variant.
Coding change: c.1417-7C>G on transcript NM_024665.7 (MANE Select); 7 bases into the intron before coding-DNA position 1417, C replaced by G.
Molecular consequence: intron variant.
Genome position (GRCh38, 1-based): chr3:177,026,481, G>C on the plus strand (C>G on the coding strand, the complement: TBL1XR1 is on the minus strand). VCF-style: chr3-177026481-G-C. GRCh37 (hg19) VCF-style: chr3-176744269-G-C.
Other names: c.1417-7C>G (NM_001374327.1, NM_001321194.3, NM_001321193.3 and 2 more transcripts); c.1156-7C>G (NM_001374330.1, NM_001321195.3).
Identifiers: ClinVar variation 1158463 (VCV001158463.33), dbSNP rs761210577, ClinGen allele CA2709759.
Genomic context (GRCh38, chr3:177,026,481, plus strand): 5'-GCAAACTTCAAATATTCCACCTGTTCCCCTATAGCTGTGAACTAGAGCACCTGTCTAAAA[G>C]AATGAAAAACAAAATCTTAAAAATCGTAATACATATTATAATAAATCCAAATGCTGAAAT-3'